The following is an entry in ClinVar:

ClinVar aggregate classification (germline): Uncertain significance (1 of 4 stars; one submission).

Allele frequency attached by ClinVar (database versions not stated): gnomAD exomes below 0.00001; gnomAD 0.00001.
gnomAD v4.1: 7 of 1,613,500 alleles (0.00043%); highest among the groups gnomAD compares: South Asian, 0.0033%; no homozygotes.

Submission:

Labcorp Genetics (formerly Invitae), Labcorp
Classification: Uncertain significance. Last evaluated: 2023-11-06. Review status: criteria provided, single submitter. Criteria: Invitae Variant Classification Sherloc (09022015). Collection method: clinical testing. Allele origin: germline.
Comment: This sequence change affects codon 1528 of the ITPR1 mRNA. It is a 'silent' change, meaning that it does not change the encoded amino acid sequence of the ITPR1 protein. It affects a nucleotide within the consensus splice site. This variant is not present in population databases (gnomAD no frequency). This variant has not been reported in the literature in individuals affected with ITPR1-related conditions. Algorithms developed to predict the effect of sequence changes on RNA splicing suggest that this variant is not likely to affect RNA splicing. In summary, the available evidence is currently insufficient to determine the role of this variant in disease. Therefore, it has been classified as a Variant of Uncertain Significance.

NM_001378452.1(ITPR1):c.4656A>G (p.Val1552=)

Gene: ITPR1 (inositol 1,4,5-trisphosphate receptor type 1; plus strand). Cytogenetic location: 3p26.1.
Variant type: single nucleotide variant.
Coding change: c.4656A>G on transcript NM_001378452.1 (MANE Select); coding-DNA position 4656, A replaced by G.
Protein change: p.Val1552=; no amino-acid change (valine 1552 retained).
Molecular consequence: synonymous variant.
Genome position (GRCh38, 1-based): chr3:4,702,949, A>G. VCF-style: chr3-4702949-A-G. GRCh37 (hg19) VCF-style: chr3-4744633-A-G.
Other names: c.4629A>G, p.Val1543= (NM_001099952.4); c.4611A>G, p.Val1537= (NM_001168272.2); c.4584A>G, p.Val1528= (NM_002222.7).
Identifiers: ClinVar variation 2964583 (VCV002964583.3), dbSNP rs2094686455, ClinGen allele CA432306914.